The following is an entry in ClinVar:

NM_001081.4(CUBN):c.8231G>C (p.Trp2744Ser)

Gene: CUBN (cubilin; minus strand). Cytogenetic location: 10p13.
Variant type: single nucleotide variant.
Coding change: c.8231G>C on transcript NM_001081.4 (MANE Select); coding-DNA position 8231, G replaced by C.
Protein change: p.Trp2744Ser; replaces tryptophan 2744 with serine.
Molecular consequence: missense variant.
Genome position (GRCh38, 1-based): chr10:16,900,804, C>G on the plus strand (G>C on the coding strand, the complement: CUBN is on the minus strand). VCF-style: chr10-16900804-C-G. GRCh37 (hg19) VCF-style: chr10-16942803-C-G.
Other names: c.8231G>C (NM_001081.3); short protein forms W2744S.
Identifiers: ClinVar variation 1518540 (VCV001518540.10), dbSNP rs983265041, ClinGen allele CA203556249.
Genomic context (GRCh38, chr10:16,900,804, plus strand): 5'-CAGTATTGTCCTATGATGGGTGATTCAGGGGACCCACCATTCCTGACAGTGACAGAGTCC[C>G]AAGCACAAGTTGTATGGGGTTCAATATCAAAGTCACTAAATGTGAGCTGCAGGAGAAAAA-3'
Protein context (NP_001072.2, residues 2734-2754): FDIEPHTTCA[Trp2744Ser]DSVTVRNGGS

ClinVar aggregate classification (germline): Uncertain significance. Review status: criteria provided, multiple submitters, no conflicts (2 of 4 stars). 3 submissions from 3 submitters: Uncertain significance (3). Last evaluated 2025-12-08.

Conditions:
Inborn genetic diseases. Identifiers: MedGen C0950123, MeSH D030342.
Imerslund-Grasbeck syndrome type 1 (IGS1). Also called: Megaloblastic anemia 1, Finnish type; Imerslund-Gräsbeck syndrome 1; MEGALOBLASTIC ANEMIA, 1. Identifiers: MedGen C4016819, MONDO:0100156, OMIM 261100.
Proteinuria, chronic benign. Identifiers: MedGen C5394384, MONDO:0030042, OMIM 618884.
Imerslund-Grasbeck syndrome. Also called: Imerslund-Gräsbeck syndrome; PERNICIOUS ANEMIA, JUVENILE, DUE TO SELECTIVE INTESTINAL MALABSORPTION OF VITAMIN B12, WITH PROTEINURIA; ENTEROCYTE COBALAMIN MALABSORPTION; ENTEROCYTE INTRINSIC FACTOR RECEPTOR, DEFECT OF; Megaloblastic anemia due to inborn errors of metabolism. Identifiers: Orphanet 35858, MedGen C4551825, MONDO:0009853.

Allele frequency attached by ClinVar (database versions not stated): gnomAD exomes below 0.00001.
gnomAD v4.1: 2 of 1,613,924 alleles (0.00012%); highest among the groups gnomAD compares: Admixed American, 0.0017%; no homozygotes.

Submissions (3):

Ambry Genetics
Classification: Uncertain significance for Inborn genetic diseases. Last evaluated: 2025-12-08. Review status: criteria provided, single submitter. Criteria: Ambry Variant Classification Scheme 2023. Collection method: clinical testing. Allele origin: germline.

Labcorp Genetics (formerly Invitae), Labcorp
Classification: Uncertain significance for Imerslund-Grasbeck syndrome. Last evaluated: 2024-10-16. Review status: criteria provided, single submitter. Criteria: Invitae Variant Classification Sherloc (09022015). Collection method: clinical testing. Allele origin: germline.
Comment: This sequence change replaces tryptophan, which is neutral and slightly polar, with serine, which is neutral and polar, at codon 2744 of the CUBN protein (p.Trp2744Ser). This variant is not present in population databases (gnomAD no frequency). This variant has not been reported in the literature in individuals affected with CUBN-related conditions. ClinVar contains an entry for this variant (Variation ID: 1518540). Invitae Evidence Modeling of protein sequence and biophysical properties (such as structural, functional, and spatial information, amino acid conservation, physicochemical variation, residue mobility, and thermodynamic stability) indicates that this missense variant is not expected to disrupt CUBN protein function with a negative predictive value of 80%. In summary, the available evidence is currently insufficient to determine the role of this variant in disease. Therefore, it has been classified as a Variant of Uncertain Significance.

Fulgent Genetics
Classification: Uncertain significance for Imerslund-Grasbeck syndrome type 1; Proteinuria, chronic benign. Last evaluated: 2024-02-29. Review status: criteria provided, single submitter. Criteria: ACMG Guidelines, 2015. Collection method: clinical testing. Allele origin: germline.